The following is an entry in ClinVar:

ClinVar aggregate classification (germline): Uncertain significance. Review status: criteria provided, multiple submitters, no conflicts (2 of 4 stars). 6 submissions from 6 submitters: Uncertain significance (6). Last evaluated 2024-02-07.

Conditions:
Hereditary cancer-predisposing syndrome. Also called: Neoplastic Syndromes, Hereditary; Tumor predisposition; Hereditary Cancer Syndrome; Hereditary neoplastic syndrome. Identifiers: Orphanet 140162, MedGen C0027672, MeSH D009386, MONDO:0015356.
Nijmegen breakage syndrome-like disorder (NBSLD). Also called: MICROCEPHALY AND SPONTANEOUS CHROMOSOME INSTABILITY WITHOUT IMMUNODEFICIENCY; NBS-LIKE DISORDER; RAD50 DEFICIENCY. Identifiers: Orphanet 240760, MedGen C2751318, MONDO:0013118, OMIM 613078.

Allele frequency attached by ClinVar (database versions not stated): gnomAD 0.00001; gnomAD exomes 0.00001 and 0.00003; ExAC 0.00002.
gnomAD v4.1: 8 of 1,613,478 alleles (0.0005%); highest among the groups gnomAD compares: Admixed American, 0.012%; no homozygotes.

Submissions (6):

Baylor Genetics
Classification: Uncertain significance for Nijmegen breakage syndrome-like disorder. Last evaluated: 2024-02-07. Review status: criteria provided, single submitter. Criteria: ACMG Guidelines, 2015. Collection method: clinical testing. Allele origin: unknown.

Labcorp Genetics (formerly Invitae), Labcorp
Classification: Uncertain significance for Hereditary cancer-predisposing syndrome. Last evaluated: 2023-11-30. Review status: criteria provided, single submitter. Criteria: Invitae Variant Classification Sherloc (09022015). Collection method: clinical testing. Allele origin: germline.
Comment: This sequence change replaces arginine, which is basic and polar, with isoleucine, which is neutral and non-polar, at codon 1069 of the RAD50 protein (p.Arg1069Ile). This variant is present in population databases (rs769003601, gnomAD 0.02%). This variant has not been reported in the literature in individuals affected with RAD50-related conditions. ClinVar contains an entry for this variant (Variation ID: 230977). Advanced modeling of protein sequence and biophysical properties (such as structural, functional, and spatial information, amino acid conservation, physicochemical variation, residue mobility, and thermodynamic stability) performed at Invitae indicates that this missense variant is not expected to disrupt RAD50 protein function with a negative predictive value of 80%. In summary, the available evidence is currently insufficient to determine the role of this variant in disease. Therefore, it has been classified as a Variant of Uncertain Significance.

Ambry Genetics
Classification: Uncertain significance for Hereditary cancer-predisposing syndrome. Last evaluated: 2022-12-07. Review status: criteria provided, single submitter. Criteria: Ambry Variant Classification Scheme 2023. Collection method: clinical testing. Allele origin: germline.
Comment: The p.R1069I variant (also known as c.3206G>T), located in coding exon 21 of the RAD50 gene, results from a G to T substitution at nucleotide position 3206. The arginine at codon 1069 is replaced by isoleucine, an amino acid with similar properties. This amino acid position is well conserved in available vertebrate species. In addition, this alteration is predicted to be tolerated by in silico analysis. Since supporting evidence is limited at this time, the clinical significance of this alteration remains unclear.

Sema4
Classification: Uncertain significance for Nijmegen breakage syndrome-like disorder. Last evaluated: 2021-05-29. Review status: criteria provided, single submitter. Criteria: Sema4 Curation Guidelines. Collection method: curation. Allele origin: germline.
Comment: The RAD50 c.3206G>T (p.R1069I) variant has not been reported in the literature to our knowledge. It was observed in 7/34574 chromosomes of the Latino subpopulation in the large and broad cohorts of the Genome Aggregation Database. The variant has been reported in ClinVar (Variation ID 230977). In silico tools suggest the impact of the variant on protein function is benign, though these predictions have not been confirmed by functional studies. The evidence is insufficient to meet ACMG/AMP criteria for classifying the variant as benign or pathogenic. Thus, the clinical significance of this variant is currently uncertain.

Women's Health and Genetics/Laboratory Corporation of America, LabCorp
Classification: Uncertain significance. Last evaluated: 2021-04-01. Review status: criteria provided, single submitter. Criteria: LabCorp Variant Classification Summary - May 2015. Collection method: clinical testing. Allele origin: germline.
Comment: Variant summary: RAD50 c.3206G>T (p.Arg1069Ile) results in a non-conservative amino acid change in the encoded protein sequence. Three of five in-silico tools predict a benign effect of the variant on protein function. The variant allele was found at a frequency of 2.8e-05 in 251086 control chromosomes, predominantly at a frequency of 0.0002 within the Latino subpopulation in the gnomAD database. The available data on variant occurrences in the general population are insufficient to allow any conclusion about variant significance. To our knowledge, no occurrence of c.3206G>T in individuals affected with Hereditary Breast and Ovarian Cancer Syndrome and no experimental evidence demonstrating its impact on protein function have been reported. Co-occurrences with another likely pathogenic variant has been reported ( CHEK2 c.349A>G, p.Arg117Gly) in our internal database. Three ClinVar submitters (evaluation after 2014) cite the variant as uncertain significance. Based on the evidence outlined above, the variant was classified as uncertain significance.

Fulgent Genetics
Classification: Uncertain significance for Nijmegen breakage syndrome-like disorder. Last evaluated: 2018-10-31. Review status: criteria provided, single submitter. Criteria: ACMG Guidelines, 2015. Collection method: clinical testing. Allele origin: unknown.

NM_005732.4(RAD50):c.3206G>T (p.Arg1069Ile)

Gene: RAD50 (RAD50 double strand break repair protein; plus strand). Cytogenetic location: 5q31.1.
Variant type: single nucleotide variant.
Coding change: c.3206G>T on transcript NM_005732.4 (MANE Select); coding-DNA position 3206, G replaced by T.
Protein change: p.Arg1069Ile; replaces arginine 1069 with isoleucine.
Molecular consequence: missense variant.
Genome position (GRCh38, 1-based): chr5:132,618,111, G>T. VCF-style: chr5-132618111-G-T. GRCh37 (hg19) VCF-style: chr5-131953803-G-T.
Other names: short protein forms R1069I.
Identifiers: ClinVar variation 230977 (VCV000230977.18), dbSNP rs769003601, ClinGen allele CA3405540.